The following is an entry in ClinVar:

ClinVar aggregate classification (germline): Benign (1 of 4 stars; one submission).

Conditions:
Fibrous dysplasia of jaw (CRBM). Also called: Cherubism. Identifiers: Orphanet 184, MedGen C0008029, MONDO:0007315, OMIM 118400.

Allele frequency attached by ClinVar (database versions not stated): 1000 Genomes Project 30x 0.00156; gnomAD 0.00161 and 0.00170; 1000 Genomes Project 0.00180; TOPMed 0.00184.

Submission:

Illumina Laboratory Services, Illumina
Classification: Benign for Fibrous dysplasia of jaw. Last evaluated: 2018-01-13. Review status: criteria provided, single submitter. Criteria: ICSL Variant Classification Criteria 13 December 2019. Collection method: clinical testing. Allele origin: germline.
Comment: This variant was observed in the ICSL laboratory as part of a predisposition screen in an ostensibly healthy population. It had not been previously curated by ICSL or reported in the Human Gene Mutation Database (HGMD: prior to June 1st, 2018), and was therefore a candidate for classification through an automated scoring system. Utilizing variant allele frequency, disease prevalence and penetrance estimates, and inheritance mode, an automated score was calculated to assess if this variant is too frequent to cause the disease. Based on the score and internal cut-off values, a variant classified as benign is not then subjected to further curation. The score for this variant resulted in a classification of benign for this disease.

NM_001122681.2(SH3BP2):c.*1679C>T

Genes: SH3BP2 (SH3 domain binding protein 2; plus strand), LOC129992073 (ATAC-STARR-seq lymphoblastoid active region 21193; plus strand). Cytogenetic location: 4p16.3.
Variant type: single nucleotide variant.
Coding change: c.*1679C>T on transcript NM_001122681.2 (MANE Select); 1679 bases downstream of the stop codon, C replaced by T.
Molecular consequence: 3 prime UTR variant.
Genome position (GRCh38, 1-based): chr4:2,835,513, C>T. VCF-style: chr4-2835513-C-T. GRCh37 (hg19) VCF-style: chr4-2837240-C-T.
Other names: c.*1679C>T (LRG_1334t2, LRG_1334t1, NM_001145855.2 and 2 more transcripts).
Identifiers: ClinVar variation 348620 (VCV000348620.5), dbSNP rs549256215, ClinGen allele CA10620903.